The following is an entry in ClinVar:

NM_001377229.1(DISP1):c.1810G>T (p.Ala604Ser)

Gene: DISP1 (dispatched RND transporter family member 1; plus strand). Cytogenetic location: 1q41.
Variant type: single nucleotide variant.
Coding change: c.1810G>T on transcript NM_001377229.1 (MANE Select); coding-DNA position 1810, G replaced by T.
Protein change: p.Ala604Ser; replaces alanine 604 with serine.
Molecular consequence: missense variant.
Genome position (GRCh38, 1-based): chr1:223,003,207, G>T. VCF-style: chr1-223003207-G-T. GRCh37 (hg19) VCF-style: chr1-223176549-G-T.
Other names: c.1081G>T, p.Ala361Ser (NM_001350630.2); c.1810G>T, p.Ala604Ser (NM_001369594.1, NM_001377228.1, NM_032890.5); short protein forms A604S, A361S.
Identifiers: ClinVar variation 1936144 (VCV001936144.5), dbSNP rs375851211, ClinGen allele CA1409129.
Genomic context (GRCh38, chr1:223,003,207, plus strand): 5'-ACAAAATTTGATAAGCCTCATGCCGAAACCTCAGAAACAGTAAGCATCACCTTGCAGCAC[G>T]CTGCCCTCTCCATGTTCGTCACCAGTTTTACCACTGCTGCTGCCTTTTATGCTAACTATG-3'
Protein context (NP_001364158.1, residues 594-614): SETVSITLQH[Ala604Ser]ALSMFVTSFT

ClinVar aggregate classification (germline): Uncertain significance (1 of 4 stars; one submission).

Allele frequency attached by ClinVar (database versions not stated): ESP Exome Variant Server 0.00008.
gnomAD v4.1: 13 of 1,614,130 alleles (0.00081%); highest among the groups gnomAD compares: Non-Finnish European, 0.0011%; no homozygotes.

Submission:

Labcorp Genetics (formerly Invitae), Labcorp
Classification: Uncertain significance. Last evaluated: 2022-02-23. Review status: criteria provided, single submitter. Criteria: Invitae Variant Classification Sherloc (09022015). Collection method: clinical testing. Allele origin: germline.
Comment: In summary, the available evidence is currently insufficient to determine the role of this variant in disease. Therefore, it has been classified as a Variant of Uncertain Significance. Algorithms developed to predict the effect of missense changes on protein structure and function are either unavailable or do not agree on the potential impact of this missense change (SIFT: "Tolerated"; PolyPhen-2: "Possibly Damaging"; Align-GVGD: "Class C0"). This variant has not been reported in the literature in individuals affected with DISP1-related conditions. This variant is present in population databases (rs375851211, gnomAD 0.002%). This sequence change replaces alanine, which is neutral and non-polar, with serine, which is neutral and polar, at codon 604 of the DISP1 protein (p.Ala604Ser).